The following is an entry in ClinVar:

NM_000069.3(CACNA1S):c.1583G>A (p.Arg528His)

Gene: CACNA1S (calcium voltage-gated channel subunit alpha1 S; minus strand). Cytogenetic location: 1q32.1.
Variant type: single nucleotide variant.
Coding change: c.1583G>A on transcript NM_000069.3 (MANE Select); coding-DNA position 1583, G replaced by A.
Protein change: p.Arg528His; replaces arginine 528 with histidine.
Molecular consequence: missense variant.
Genome position (GRCh38, 1-based): chr1:201,077,915, C>T on the plus strand (G>A on the coding strand, the complement: CACNA1S is on the minus strand). VCF-style: chr1-201077915-C-T. GRCh37 (hg19) VCF-style: chr1-201047043-C-T.
Other names: short protein forms R528H.
Identifiers: ClinVar variation 17625 (VCV000017625.71), dbSNP rs80338777, ClinGen allele CA004021.

ClinVar aggregate classification (germline): Pathogenic. Review status: criteria provided, multiple submitters, no conflicts (2 of 4 stars). 22 submissions from 22 submitters: Pathogenic (17). 5 of the submissions do not count toward it. Last evaluated 2026-07-07.

Conditions:
Congenital myopathy 18. Also called: Myopathy, congenital, due to dihydropyridine receptor defect; DIHYDROPYRIDINE RECEPTOR CONGENITAL MYOPATHY; DHPR CONGENITAL MYOPATHY. Identifiers: MedGen C5830283, MONDO:0859514, OMIM 620246.
Malignant hyperthermia, susceptibility to, 5 (MHS5). Also called: CACNA1S-Related Malignant Hyperthermia Susceptibility. Identifiers: Orphanet 423, MedGen C1866077, MONDO:0011163, OMIM 601887.
Hypokalemic periodic paralysis, type 1. Also called: Hypokalemic Periodic Paralysis Type 1 (AD); HypoPP. Identifiers: Orphanet 681, MedGen C3714580, MONDO:0042979, OMIM 170400.
Thyrotoxic periodic paralysis, susceptibility to, 1 (TTPP1). Identifiers: Orphanet 79102, MedGen C2749982, MONDO:0008570, OMIM 188580.
CACNA1S-related disorder. Also called: CACNA1S-related condition.

Allele frequency attached by ClinVar (database versions not stated): TOPMed 0.00001; gnomAD 0.00001.

Submissions 1 to 11 of 22:

PreventionGenetics, part of Exact Sciences
Classification: Pathogenic for CACNA1S-related condition. Last evaluated: 2026-07-07. Review status: criteria provided, single submitter. Criteria: ACMG Guidelines, 2015. Collection method: clinical testing. Allele origin: germline.
Comment: The CACNA1S c.1583G>A variant is predicted to result in the amino acid substitution p.Arg528His. This variant has been reported in many individuals with hypokalemic periodic paralysis (Jurkat-Rott et al. 1994. PubMed ID: 7987325; Jurkat-Rott et al. 2009. PubMed ID: 19225109; Luo et al. 2019. PubMed ID: 31068157). A mouse model of the p.Arg528His variant recapitulates the observed clinical features in humans (Wu et al. 2012. PubMed ID: 23187123). This variant has not been reported in gnomAD and is consistently interpreted as pathogenic by many laboratories in ClinVar (ClinVar ID: 17625). This variant is interpreted as pathogenic.

CeGaT Center for Human Genetics Tuebingen
Classification: Pathogenic. Last evaluated: 2026-07-01. Review status: criteria provided, single submitter. Criteria: CeGaT Center For Human Genetics Tuebingen Variant Classification Criteria Version 2. Collection method: clinical testing. Allele origin: germline. Affected: yes. Observed: 6 variant alleles.
Comment: CACNA1S: PS4, PM2, PM5, PS3:Moderate

Labcorp Genetics (formerly Invitae), Labcorp
Classification: Pathogenic for Hypokalemic periodic paralysis, type 1; Malignant hyperthermia, susceptibility to, 5. Last evaluated: 2026-02-01. Review status: criteria provided, single submitter. Criteria: Invitae Variant Classification Sherloc (09022015). Collection method: clinical testing. Allele origin: germline.
Comment: This sequence change replaces arginine, which is basic and polar, with histidine, which is basic and polar, at codon 528 of the CACNA1S protein (p.Arg528His). This variant is not present in population databases (gnomAD no frequency). This missense change has been observed in individual(s) with autosomal dominant hypokalemic periodic paralysis (PMID: 7847370, 7987325, 9066893, 11034874, 11808349, 15726306). It has also been observed to segregate with disease in related individuals. ClinVar contains an entry for this variant (Variation ID: 17625). Invitae Evidence Modeling of protein sequence and biophysical properties (such as structural, functional, and spatial information, amino acid conservation, physicochemical variation, residue mobility, and thermodynamic stability) has been performed for this missense variant. However, the output from this modeling did not meet the statistical confidence thresholds required to predict the impact of this variant on CACNA1S protein function. Experimental studies have shown that this missense change affects CACNA1S function (PMID: 8605978, 9512357, 9852570, 23187123). For these reasons, this variant has been classified as Pathogenic.

3billion
Classification: Pathogenic for Hypokalemic periodic paralysis, type 1. Last evaluated: 2026-01-06. Review status: criteria provided, single submitter. Criteria: ACMG Guidelines, 2015. Collection method: clinical testing. Allele origin: germline. Affected: yes.
Comment: The variant is observed at an extremely low frequency in the gnomAD v4.1.0 dataset (total allele frequency: <0.001%). Predicted Consequence/Location: Missense variant. The majority of the known disease-causing variants of this gene are variants expected to result in premature termination of the protein. In silico tool predictions suggest damaging effect of the variant on gene or gene product [REVEL: 0.96 (>=0.6, sensitivity 0.68 and specificity 0.92)]. The same nucleotide change resulting in the same amino acid change has been previously reported as pathogenic/likely pathogenic with strong evidence (ClinVar ID: VCV000017625 /PMID: 7987325 /3billion dataset). The variant has been observed in at least two similarly affected unrelated individuals (PMID: 11034874, 11808349).The variant has been reported to co-segregate with the disease in at least 5 similarly affected relatives/individuals in the same family or similarly affected unrelated families (PMID: 11808349).Different missense changes at the same codon (p.Arg528Cys, p.Arg528Gly, p.Arg528Leu) have been reported as pathogenic/likely pathogenic with strong evidence (ClinVar ID: VCV000021034, VCV000473965, VCV000849085 /PMID: 15726306, 25430699, 29193480). Therefore, this variant is classified as Pathogenic according to the recommendation of ACMG/AMP guideline.

Variantyx, Inc.
Classification: Pathogenic for Hypokalemic periodic paralysis, type 1. Last evaluated: 2025-12-18. Review status: criteria provided, single submitter. Criteria: Variantyx Assertion Criteria 2022. Collection method: clinical testing. Allele origin: germline. Inheritance: Autosomal dominant inheritance. Affected: no.
Comment: This is a nonsynonymous variant in the CACNA1S gene (OMIM: 114208). Pathogenic variants in this gene have been associated with autosomal dominant hypokalemic periodic paralysis type 1. This variant has been reported in several unrelated affected individuals (PMID: 7847370, 9066893, 7650604, 37656291, 36964972, 31567646) (PS4) and it has been observed to segregate with disease in 10 individuals from multiple families (PMID: 7847370, 9066893, 7650604) (PP1). Functional studies have shown that this variant alters CACNA1S protein function (PMID: 9512357, 7650604, 23187123) (PS3). Morever, an alternate amino acid change at this position (p.Arg528Cys) has been previously reported in similarly affected individuals, which suggests that this residue is biologically important (PMID: 25430699) (PM5). Multiple computational algorithms predict a deleterious effect for this variant (REVEL score: 0.961) (PP3). This variant has a 0.0005% maximum allele frequency in non-founder control populations (PM2). Based on the current evidence, this variant is classified as pathogenic for autosomal dominant hypokalemic periodic paralysis type 1.

Dasa
Classification: Pathogenic. Last evaluated: 2025-07-29. Review status: criteria provided, single submitter. Criteria: DASA Assertion Criteria. Collection method: clinical testing. Allele origin: germline.
Comment: NM_000069.3(CACNA1S):c.1583G>A (p.Arg528His) is a missense variant that results in the substitution of arginine with histidine. Segregation evidence has been reported in affected families. Functional evidence supports a deleterious effect on the gene or gene product (PMID: 7987325; PMID: 7847370; PMID: 11034874; PMID: 15098604; PMID: 17587224). This variant has been recurrently observed in individuals with related phenotype (PMID: 7987325; PMID: 7847370; PMID: 11034874; PMID: 15098604; PMID: 17587224). The variant is present at low frequency in population datasets. Based on the available data, this variant is classified as pathogenic.

Women's Health and Genetics/Laboratory Corporation of America, LabCorp
Classification: Pathogenic for Hypokalemic periodic paralysis, type 1. Last evaluated: 2025-07-28. Review status: criteria provided, single submitter. Criteria: LabCorp Variant Classification Summary - May 2015. Collection method: clinical testing. Allele origin: germline.
Comment: Variant summary: CACNA1S c.1583G>A (p.Arg528His) results in a non-conservative amino acid change in the encoded protein sequence. Algorithms developed to predict the effect of missense changes on protein structure and function all suggest that this variant is likely to be disruptive. The variant was absent in 251124 control chromosomes. c.1583G>A has been observed in multiple individuals affected with Hypokalemic periodic paralysis, type 1 (Jurkat-Rott_1995, Elbaz_1995). These data indicate that the variant is very likely to be associated with disease. At least one publication reports experimental evidence evaluating an impact on protein function. The most pronounced variant effect results in enhance inactivation of the L-type calcium channel (Sipos_1995). The following publications have been ascertained in the context of this evaluation (PMID: 7847370, 7987325, 7650604). ClinVar contains an entry for this variant (Variation ID: 17625). Based on the evidence outlined above, the variant was classified as pathogenic.

Revvity Omics, Revvity
Classification: Pathogenic. Last evaluated: 2025-05-06. Review status: criteria provided, single submitter. Criteria: ACMG Guidelines, 2015. Collection method: clinical testing. Allele origin: germline.

Department of Human Genetics, Hannover Medical School
Classification: Pathogenic for Hypokalemic periodic paralysis, type 1. Last evaluated: 2025-02-12. Review status: criteria provided, single submitter. Criteria: ACMG Guidelines, 2015. Collection method: clinical testing. Allele origin: germline. Affected: yes.
Comment: ACMG: PS3_Supporting, PP3_Strong, PM2_Supporting, PM5, PP1_Strong

Blueprint Genetics
Classification: Pathogenic for CACNA1S-related disorders. Last evaluated: 2024-07-26. Review status: criteria provided, single submitter. Criteria: ACMG Guidelines, 2015. Collection method: clinical testing. Allele origin: germline. Affected: yes. Observed: 5 variant alleles.

Fulgent Genetics
Classification: Pathogenic for Hypokalemic periodic paralysis, type 1; Thyrotoxic periodic paralysis, susceptibility to, 1; Malignant hyperthermia, susceptibility to, 5; Congenital myopathy 18. Last evaluated: 2024-05-14. Review status: criteria provided, single submitter. Criteria: ACMG Guidelines, 2015. Collection method: clinical testing. Allele origin: germline.